The following is an entry in ClinVar:

NM_000030.3(AGXT):c.681-459G>A

Gene: AGXT (alanine--glyoxylate aminotransferase; plus strand). Cytogenetic location: 2q37.3.
Variant type: single nucleotide variant.
Coding change: c.681-459G>A on transcript NM_000030.3 (MANE Select); 459 bases into the intron before coding-DNA position 681, G replaced by A.
Molecular consequence: intron variant.
Genome position (GRCh38, 1-based): chr2:240,874,650, G>A. VCF-style: chr2-240874650-G-A. GRCh37 (hg19) VCF-style: chr2-241814067-G-A.
Identifiers: ClinVar variation 4854010 (VCV004854010.1).

ClinVar aggregate classification (germline): Uncertain significance (1 of 4 stars; one submission).

Conditions:
Primary hyperoxaluria, type I (HP1). Also called: GLYCOLIC ACIDURIA; OXALOSIS I; HEPATIC AGT DEFICIENCY; Primary hyperoxaluria type 1. Identifiers: Orphanet 416, Orphanet 93598, MedGen C0268164, MONDO:0009823, OMIM 259900. Disease mechanism: loss of function.

Submission:

3billion
Classification: Uncertain significance for Primary hyperoxaluria, type I. Last evaluated: 2026-01-26. Review status: criteria provided, single submitter. Criteria: ACMG Guidelines, 2015. Collection method: clinical testing. Allele origin: germline. Affected: yes.
Comment: The variant is not observed in the gnomAD v4.1.0 dataset. Predicted Consequence/Location: Intron variant In silico tools predict the variant to alter splicing and produce an abnormal transcript [SpliceAI: 0.80 (>=0.2, moderate evidence for spliceogenicity)]. Therefore, this variant is classified as VUS according to the recommendation of ACMG/AMP guideline.